The following is an entry in ClinVar:

ClinVar aggregate classification (germline): Pathogenic (1 of 4 stars; one submission).

gnomAD v4.1: 2 of 1,613,848 alleles (0.00012%); highest among the groups gnomAD compares: Admixed American, 0.0017%; no homozygotes.

Submission:

Labcorp Genetics (formerly Invitae), Labcorp
Classification: Pathogenic. Last evaluated: 2025-10-26. Review status: criteria provided, single submitter. Criteria: Invitae Variant Classification Sherloc (09022015). Collection method: clinical testing. Allele origin: germline.
Comment: This sequence change creates a premature translational stop signal (p.Gln743*) in the PCNT gene. It is expected to result in an absent or disrupted protein product. Loss-of-function variants in PCNT are known to be pathogenic (PMID: 18174396, 22821869). This variant is not present in population databases (gnomAD no frequency). This variant has not been reported in the literature in individuals affected with PCNT-related conditions. For these reasons, this variant has been classified as Pathogenic.

Literature cited by the submitters: PubMed 18174396; PubMed 22821869.

NM_006031.6(PCNT):c.2227C>T (p.Gln743Ter)

Gene: PCNT (pericentrin; plus strand). Cytogenetic location: 21q22.3.
Variant type: single nucleotide variant.
Coding change: c.2227C>T on transcript NM_006031.6 (MANE Select); coding-DNA position 2227, C replaced by T.
Protein change: p.Gln743Ter; replaces glutamine 743 with a stop codon.
Molecular consequence: nonsense.
Genome position (GRCh38, 1-based): chr21:46,363,552, C>T. VCF-style: chr21-46363552-C-T. GRCh37 (hg19) VCF-style: chr21-47783467-C-T.
Other names: c.1873C>T, p.Gln625Ter (NM_001315529.2); short protein forms Q743*, Q625*.
Identifiers: ClinVar variation 4772733 (VCV004772733.1).
Genomic context (GRCh38, chr21:46,363,552, plus strand): 5'-CTAATTGAAGACCACCAGAAGGAACTAAATAATGCTAAGCAAAAGACTGAGCTGATGAAA[C>T]AGGAATTCCAAAGAAAAGAAACGGACTGGAAAGTTATGAAGGAGGAGCTACAGCGGGAAG-3'